The following is an entry in ClinVar:

ClinVar aggregate classification (germline): Benign/Likely benign. Review status: criteria provided, multiple submitters, no conflicts (2 of 4 stars). 7 submissions from 7 submitters: Benign (1); Likely benign (3). 3 of the submissions do not count toward it. Last evaluated 2026-01-24.

Conditions:
CUBN-related disorder. Also called: CUBN-related condition.
Imerslund-Grasbeck syndrome type 1 (IGS1). Also called: MEGALOBLASTIC ANEMIA, 1; Megaloblastic anemia 1, Finnish type; Imerslund-Gräsbeck syndrome 1. Identifiers: MedGen C4016819, MONDO:0100156, OMIM 261100.
Imerslund-Grasbeck syndrome. Also called: ENTEROCYTE COBALAMIN MALABSORPTION; ENTEROCYTE INTRINSIC FACTOR RECEPTOR, DEFECT OF; Megaloblastic anemia due to inborn errors of metabolism; PERNICIOUS ANEMIA, JUVENILE, DUE TO SELECTIVE INTESTINAL MALABSORPTION OF VITAMIN B12, WITH PROTEINURIA; Imerslund-Gräsbeck syndrome. Identifiers: Orphanet 35858, MedGen C4551825, MONDO:0009853.

Allele frequency attached by ClinVar (database versions not stated): gnomAD exomes 0.00025 and 0.00068; ExAC 0.00084; gnomAD 0.00229 and 0.00243; TOPMed 0.00261; 1000 Genomes Project 30x 0.00281; ESP Exome Variant Server 0.00292; 1000 Genomes Project 0.00339.
gnomAD v4.1: 729 of 1,613,950 alleles (0.045%); highest among the groups gnomAD compares: African/African-American, 0.85%; 2 homozygotes.

Submissions (7):

Labcorp Genetics (formerly Invitae), Labcorp
Classification: Benign for Imerslund-Grasbeck syndrome. Last evaluated: 2026-01-24. Review status: criteria provided, single submitter. Criteria: Invitae Variant Classification Sherloc (09022015). Collection method: clinical testing. Allele origin: germline.

Blueprint Genetics
Classification: Likely benign. Last evaluated: 2024-11-13. Review status: criteria provided, single submitter. Criteria: ACMG Guidelines, 2015. Collection method: clinical testing. Allele origin: germline.

GeneDx
Classification: Likely benign. Last evaluated: 2020-09-26. Review status: criteria provided, single submitter. Criteria: GeneDx Variant Classification Process June 2021. Collection method: clinical testing. Allele origin: germline. Affected: yes.

Illumina Laboratory Services, Illumina
Classification: Likely benign for Imerslund-Grasbeck syndrome type 1. Last evaluated: 2017-04-27. Review status: criteria provided, single submitter. Criteria: ICSL Variant Classification Criteria 13 December 2019. Collection method: clinical testing. Allele origin: germline.
Comment: This variant was observed as part of a predisposition screen in an ostensibly healthy population. A literature search was performed for the gene, cDNA change, and amino acid change (where applicable). No publications were found based on this search. Allele frequency data from public databases allowed determination this variant is unlikely to cause disease. Therefore, this variant is classified as likely benign.

PreventionGenetics, part of Exact Sciences
Classification: Benign for CUBN-related condition. Last evaluated: 2023-11-07. Review status: no assertion criteria provided. Collection method: clinical testing. Allele origin: germline. Not counted in ClinVar's aggregate classification.
Comment: This variant is classified as benign based on ACMG/AMP sequence variant interpretation guidelines (Richards et al. 2015 PMID: 25741868, with internal and published modifications).

Clinical Genetics DNA and cytogenetics Diagnostics Lab, Erasmus MC, Erasmus Medical Center
Classification: Likely benign. Review status: no assertion criteria provided. Collection method: clinical testing. Allele origin: germline. Affected: yes. Study: VKGL Data-share Consensus. Not counted in ClinVar's aggregate classification.

Genome Diagnostics Laboratory, University Medical Center Utrecht
Classification: Likely benign. Review status: no assertion criteria provided. Collection method: clinical testing. Allele origin: germline. Affected: yes. Study: VKGL Data-share Consensus. Not counted in ClinVar's aggregate classification.

NM_001081.4(CUBN):c.1470G>A (p.Pro490=)

Gene: CUBN (cubilin; minus strand). Cytogenetic location: 10p13.
Variant type: single nucleotide variant.
Coding change: c.1470G>A on transcript NM_001081.4 (MANE Select); coding-DNA position 1470, G replaced by A.
Protein change: p.Pro490=; no amino-acid change (proline 490 retained).
Molecular consequence: synonymous variant.
Genome position (GRCh38, 1-based): chr10:17,103,185, C>T on the plus strand (G>A on the coding strand, the complement: CUBN is on the minus strand). VCF-style: chr10-17103185-C-T. GRCh37 (hg19) VCF-style: chr10-17145184-C-T.
Identifiers: ClinVar variation 695987 (VCV000695987.21), dbSNP rs143255616, ClinGen allele CA5425277.